The following is an entry in ClinVar:

NM_004006.3(DMD):c.4180G>T (p.Ala1394Ser)

Gene: DMD (dystrophin; minus strand). Cytogenetic location: Xp21.1.
Variant type: single nucleotide variant.
Coding change: c.4180G>T on transcript NM_004006.3 (MANE Select); coding-DNA position 4180, G replaced by T.
Protein change: p.Ala1394Ser; replaces alanine 1394 with serine.
Molecular consequence: missense variant.
Genome position (GRCh38, 1-based): chrX:32,411,805, C>A on the plus strand (G>T on the coding strand, the complement: DMD is on the minus strand). VCF-style: chrX-32411805-C-A. GRCh37 (hg19) VCF-style: chrX-32429922-C-A.
Other names: c.4156G>T, p.Ala1386Ser (NM_000109.4); c.4168G>T, p.Ala1390Ser (NM_004009.3); c.3811G>T, p.Ala1271Ser (NM_004010.3); c.157G>T, p.Ala53Ser (NM_004011.4); c.148G>T, p.Ala50Ser (NM_004012.4); short protein forms A1271S, A1386S, A1390S, A1394S, A50S, A53S.
Identifiers: ClinVar variation 1804925 (VCV001804925.2), dbSNP rs2523599449, ClinGen allele CA412666236.
Genomic context (GRCh38, chrX:32,411,805, plus strand): 5'-TACTTGCCTGGGCTTCCTGAGGCATTTGAGCTGCGTCCACCTTGTCTGCAATATAAGCTG[C>A]CAACTGCTTGTCAATGAATGTGAGGGACTCCTGGATTAAGTGTAAGGATTTTTCAGTCTC-3'
Protein context (NP_003997.2, residues 1384-1404): ESLTFIDKQL[Ala1394Ser]AYIADKVDAA

ClinVar aggregate classification (germline): Uncertain significance (1 of 4 stars; one submission).

Conditions:
Dilated cardiomyopathy 3B (CMD3B). Also called: CMD3B: DMD-Related Dilated Cardiomyopathy; CARDIOMYOPATHY, DILATED, X-LINKED; DMD-Associated Dilated Cardiomyopathy. Identifiers: Orphanet 154, MedGen C3668940, MONDO:0010542, OMIM 302045.

Submission:

Victorian Clinical Genetics Services, Murdoch Childrens Research Institute
Classification: Uncertain significance for Dilated cardiomyopathy 3B. Last evaluated: 2021-05-06. Review status: criteria provided, single submitter. Criteria: ACMG Guidelines, 2015. Collection method: clinical testing. Allele origin: germline. Inheritance: X-linked dominant inheritance. Affected: yes.
Comment: Based on the classification scheme VCGS_Germline_v1.3.4, this variant is classified as VUS-3C. Following criteria are met: 0102 - Loss of function is a known mechanism of disease in this gene and is associated with Becker muscular dystrophy (BMD; MIM#300376), Duchenne muscular dystrophy, (DMD; MIM#310200) and cardiomyopathy, dilated, 3B, (DCM; MIM#302045).(I) 0109 - This gene is associated with X-linked recessive disease, primarily BMD and DMD. However, this gene is also associated with X-linked DCM (OMIM). (I) 0200 - Variant is predicted to result in a missense amino acid change from alanine to serine. (I) 0253 - This variant is hemizygous. (I) 0301 - Variant is absent from gnomAD (both v2 and v3). (SP) 0503 - Missense variant consistently predicted to be tolerated by multiple in silico tools or not conserved in placental mammals with a minor amino acid change. (SB) 0604 - Variant is not located in an established domain, motif, hotspot or informative constraint region. (I) 0705 - No comparable missense variants have previous evidence for pathogenicity. (I) 0807 - This variant has no previous evidence of pathogenicity. (I) 0905 - No published segregation evidence has been identified for this variant. (I) 1007 - No published functional evidence has been identified for this variant. (I) 1208 - Inheritance information for this variant is not currently available in this individual. (I) Legend: (SP) - Supporting pathogenic, (I) - Information, (SB) - Supporting benign